The following is an entry in ClinVar:

ClinVar aggregate classification (germline): Likely benign. Review status: criteria provided, multiple submitters, no conflicts (2 of 4 stars). 3 submissions from 3 submitters: Likely benign (2). 1 of the submissions does not count toward it. Last evaluated 2025-11-24.

Conditions:
COL18A1-related disorder. Also called: COL18A1-related disorders; COL18A1-related condition.

Allele frequency attached by ClinVar (database versions not stated): TOPMed 0.00004; gnomAD 0.00005 and 0.00006; gnomAD exomes 0.00016; ExAC 0.00021; 1000 Genomes Project 0.00060; 1000 Genomes Project 30x 0.00062.
gnomAD v4.1: 129 of 1,609,794 alleles (0.008%); highest among the groups gnomAD compares: South Asian, 0.09%; 1 homozygote.

Submissions (3):

Labcorp Genetics (formerly Invitae), Labcorp
Classification: Likely benign. Last evaluated: 2025-11-24. Review status: criteria provided, single submitter. Criteria: Invitae Variant Classification Sherloc (09022015). Collection method: clinical testing. Allele origin: germline.

Blueprint Genetics
Classification: Likely benign. Last evaluated: 2023-11-03. Review status: criteria provided, single submitter. Criteria: ACMG Guidelines, 2015. Collection method: clinical testing. Allele origin: germline.

PreventionGenetics, part of Exact Sciences
Classification: Likely benign for COL18A1-related condition. Last evaluated: 2019-08-28. Review status: no assertion criteria provided. Collection method: clinical testing. Allele origin: germline. Not counted in ClinVar's aggregate classification.
Comment: This variant is classified as likely benign based on ACMG/AMP sequence variant interpretation guidelines (Richards et al. 2015 PMID: 25741868, with internal and published modifications).

NM_001379500.1(COL18A1):c.2202C>T (p.Phe734=)

Gene: COL18A1 (collagen type XVIII alpha 1 chain; plus strand). Cytogenetic location: 21q22.3.
Variant type: single nucleotide variant.
Coding change: c.2202C>T on transcript NM_001379500.1 (MANE Select); coding-DNA position 2202, C replaced by T.
Protein change: p.Phe734=; no amino-acid change (phenylalanine 734 retained).
Molecular consequence: synonymous variant.
Genome position (GRCh38, 1-based): chr21:45,492,701, C>T. VCF-style: chr21-45492701-C-T. GRCh37 (hg19) VCF-style: chr21-46912615-C-T.
Other names: c.2742C>T, p.Phe914= (NM_030582.4); c.3447C>T, p.Phe1149= (NM_130444.3); c.2742C>T (NM_030582.3).
Identifiers: ClinVar variation 1593330 (VCV001593330.11), dbSNP rs548261650, ClinGen allele CA10066917.